The following is an entry in ClinVar:

ClinVar aggregate classification (germline): Pathogenic/Likely pathogenic. Review status: criteria provided, multiple submitters, no conflicts (2 of 4 stars). 5 submissions from 5 submitters: Pathogenic (3); Likely pathogenic (1). 1 of the submissions does not count toward it. Last evaluated 2024-05-20.

Conditions:
Hereditary cancer-predisposing syndrome. Also called: Tumor predisposition; Hereditary neoplastic syndrome; Neoplastic Syndromes, Hereditary; Hereditary Cancer Syndrome. Identifiers: Orphanet 140162, MedGen C0027672, MeSH D009386, MONDO:0015356.
Retinoblastoma (RB1). Also called: RETINOBLASTOMA, SOMATIC. Identifiers: Orphanet 790, MedGen C0035335, MeSH D012175, MONDO:0008380, OMIM 180200, HP:0009919. Disease mechanism: loss of function. Inheritance: Both sporadic and heritable forms are tested..

Submissions (5):

Genetic Diagnostic Laboratory, University of Pennsylvania School of Medicine
Classification: Pathogenic for Retinoblastoma. Last evaluated: 2024-05-20. Review status: criteria provided, single submitter. Criteria: ACMG Guidelines, 2015. Collection method: clinical testing. Allele origin: germline. Affected: yes. Observed: 1 variant allele.
Comment: Case and Pedigree Information: BILATERAL CASES:1, UNILATERAL CASES:0, TOTAL CASES:1, PEDIGREES:1. ACMG Codes Applied:PS3, PM2, PS4SUP, PP5

Labcorp Genetics (formerly Invitae), Labcorp
Classification: Pathogenic for Retinoblastoma. Last evaluated: 2023-02-01. Review status: criteria provided, single submitter. Criteria: Invitae Variant Classification Sherloc (09022015). Collection method: clinical testing. Allele origin: germline.
Comment: Experimental studies have shown that this variant affects RB1 function (PMID: 1881452). This variant occurs in a non-coding region of the RB1 gene. It does not change the encoded amino acid sequence of the RB1 protein. This variant is not present in population databases (gnomAD no frequency). This variant has been observed in individual(s) with retinoblastoma (PMID: 1881452, 10673998, 20447117). In at least one individual the variant was observed to be de novo. It has also been observed to segregate with disease in related individuals. ClinVar contains an entry for this variant (Variation ID: 13086). Algorithms developed to predict the effect of variants on protein structure and function are not available or were not evaluated for this variant. For these reasons, this variant has been classified as Pathogenic.

Ambry Genetics
Classification: Pathogenic for Hereditary cancer-predisposing syndrome. Last evaluated: 2019-01-24. Review status: criteria provided, single submitter. Criteria: Ambry Variant Classification Scheme 2023. Collection method: clinical testing. Allele origin: germline.
Comment: The c.-198G>A pathogenic mutation is located in the 5' untranslated region (5&rsquo; UTR) of the RB1 gene. This pathogenic mutation results from a G to A substitution 198 bases upstream from the first translated codon. In one study, c.-198G>A was determined to segregate with disease in a family with hereditary retinoblastoma. In addition, these authors demonstrated that the alteration interfered with binding of an essential RB1 transcription factor. Of note, multiple unaffected individuals were determined to carry the alteration, suggesting reduced penetrance (Sakai T et al. Nature. 1991;353(6339):83-6). Based on nucleotide sequence alignment, this position is highly conserved in vertebrate species. Based on the supporting evidence, c.-198G>A is interpreted as a disease-causing mutation exhibiting reduced penetrance.

Department of Pathology and Laboratory Medicine, Sinai Health System
Classification: Likely pathogenic for retinoblastoma. Review status: criteria provided, single submitter. Criteria: ACMG Guidelines, 2015. Collection method: clinical testing. Allele origin: germline.

OMIM
Classification: Pathogenic for RETINOBLASTOMA. Last evaluated: 1991-09-05. Review status: no assertion criteria provided. Collection method: literature only. Allele origin: germline. Not counted in ClinVar's aggregate classification.

Literature cited by the submitters: PubMed 1881452 (cited by Labcorp Genetics (formerly Invitae), Labcorp and OMIM); PubMed 10673998 (cited by Labcorp Genetics (formerly Invitae), Labcorp); PubMed 20447117 (cited by Labcorp Genetics (formerly Invitae), Labcorp); PubMed 10023315 (cited by Ambry Genetics); PubMed 24225018 (cited by Ambry Genetics); PubMed 2748600 (cited by Ambry Genetics).

NM_000321.3(RB1):c.-198G>A

Gene: RB1 (RB transcriptional corepressor 1; plus strand). Cytogenetic location: 13q14.2.
Variant type: single nucleotide variant.
Coding change: c.-198G>A on transcript NM_000321.3 (MANE Select); 198 bases upstream of the start codon, G replaced by A.
Genome position (GRCh38, 1-based): chr13:48,303,715, G>A. VCF-style: chr13-48303715-G-A. GRCh37 (hg19) VCF-style: chr13-48877851-G-A.
Identifiers: ClinVar variation 13086 (VCV000013086.15), dbSNP rs387906521, ClinGen allele CA026385.
Genomic context (GRCh38, chr13:48,303,715, plus strand): 5'-GCCCCAGTTCCCCACAGACGCCGGCGGGCCCGGGAGCCTCGCGGACGTGACGCCGCGGGC[G>A]GAAGTGACGTTTTCCCGCGGTTGGACGCGGCGCTCAGTTGCCGGGCGGGGGAGGGCGCGT-3'